The following is an entry in ClinVar:

NM_016356.5(DCDC2):c.1076A>T (p.Asp359Val)

Gene: DCDC2 (doublecortin domain containing 2; minus strand). Cytogenetic location: 6p22.3.
Variant type: single nucleotide variant.
Coding change: c.1076A>T on transcript NM_016356.5 (MANE Select); coding-DNA position 1076, A replaced by T.
Protein change: p.Asp359Val; replaces aspartic acid 359 with valine.
Molecular consequence: missense variant.
Genome position (GRCh38, 1-based): chr6:24,178,580, T>A on the plus strand (A>T on the coding strand, the complement: DCDC2 is on the minus strand). VCF-style: chr6-24178580-T-A. GRCh37 (hg19) VCF-style: chr6-24178808-T-A.
Other names: c.1076A>T, p.Asp359Val (NM_001195610.2); short protein forms D359V.
Identifiers: ClinVar variation 850513 (VCV000850513.9), dbSNP rs1393437679, ClinGen allele CA363280677.

ClinVar aggregate classification (germline): Uncertain significance (1 of 4 stars; one submission).

Conditions:
Autosomal recessive nonsyndromic hearing loss 66 (DFNB66). Also called: Deafness, autosomal recessive 66. Identifiers: Orphanet 90636, MedGen C1857750, MONDO:0012442, OMIM 610212.
Isolated neonatal sclerosing cholangitis (NSC). Also called: Sclerosing cholangitis, neonatal. Identifiers: Orphanet 480556, MedGen C4479344, MONDO:0018816, OMIM 617394.

Allele frequency attached by ClinVar (database versions not stated): gnomAD exomes 0.00001; TOPMed 0.00001.
gnomAD v4.1: 3 of 1,614,086 alleles (0.00019%); highest among the groups gnomAD compares: East Asian, 0.0045%; no homozygotes.

Submission:

Labcorp Genetics (formerly Invitae), Labcorp
Classification: Uncertain significance for Autosomal recessive nonsyndromic hearing loss 66; Isolated neonatal sclerosing cholangitis. Last evaluated: 2019-02-05. Review status: criteria provided, single submitter. Criteria: Invitae Variant Classification Sherloc (09022015). Collection method: clinical testing. Allele origin: germline.
Comment: In summary, the available evidence is currently insufficient to determine the role of this variant in disease. Therefore, it has been classified as a Variant of Uncertain Significance. Algorithms developed to predict the effect of missense changes on protein structure and function are either unavailable or do not agree on the potential impact of this missense change (SIFT: "Deleterious"; PolyPhen-2: "Benign"; Align-GVGD: "Class C0"). This variant has not been reported in the literature in individuals with DCDC2-related conditions. This variant is not present in population databases (ExAC no frequency). This sequence change replaces aspartic acid with valine at codon 359 of the DCDC2 protein (p.Asp359Val). The aspartic acid residue is moderately conserved and there is a large physicochemical difference between aspartic acid and valine.